The following is an entry in ClinVar:

NM_001127898.4(CLCN5):c.1996A>G (p.Thr666Ala)

Genes: CLCN5 (chloride voltage-gated channel 5; plus strand), LOC126863258 (BRD4-independent group 4 enhancer GRCh37_chrX:49854497-49855696; plus strand). Cytogenetic location: Xp11.23.
Variant type: single nucleotide variant.
Coding change: c.1996A>G on transcript NM_001127898.4 (MANE Select); coding-DNA position 1996, A replaced by G.
Protein change: p.Thr666Ala; replaces threonine 666 with alanine.
Molecular consequence: missense variant. On other transcripts: non-coding transcript variant (1).
Genome position (GRCh38, 1-based): chrX:50,090,367, A>G. VCF-style: chrX-50090367-A-G. GRCh37 (hg19) VCF-style: chrX-49855024-A-G.
Other names: c.1786A>G, p.Thr596Ala (NM_000084.5); c.1996A>G, p.Thr666Ala (NM_001127899.4); c.1846A>G, p.Thr616Ala (NM_001282163.2); c.2008A>G, p.Thr670Ala (NM_001440756.1, NM_001440757.1); short protein forms T596A, T616A, T670A, T666A.
Identifiers: ClinVar variation 4745428 (VCV004745428.1).

ClinVar aggregate classification (germline): Uncertain significance (1 of 4 stars; one submission).

Submission:

Labcorp Genetics (formerly Invitae), Labcorp
Classification: Uncertain significance. Last evaluated: 2025-10-14. Review status: criteria provided, single submitter. Criteria: Invitae Variant Classification Sherloc (09022015). Collection method: clinical testing. Allele origin: germline.
Comment: This sequence change replaces threonine, which is neutral and polar, with alanine, which is neutral and non-polar, at codon 596 of the CLCN5 protein (p.Thr596Ala). This variant is not present in population databases (gnomAD no frequency). This variant has not been reported in the literature in individuals affected with CLCN5-related conditions. Invitae Evidence Modeling of protein sequence and biophysical properties (such as structural, functional, and spatial information, amino acid conservation, physicochemical variation, residue mobility, and thermodynamic stability) indicates that this missense variant is not expected to disrupt CLCN5 protein function with a negative predictive value of 80%. In summary, the available evidence is currently insufficient to determine the role of this variant in disease. Therefore, it has been classified as a Variant of Uncertain Significance.